The following is an entry in ClinVar:

NM_181486.4(TBX5):c.*601G>A

Gene: TBX5 (T-box transcription factor 5; minus strand). Cytogenetic location: 12q24.21.
Variant type: single nucleotide variant.
Coding change: c.*601G>A on transcript NM_181486.4 (MANE Select); 601 bases downstream of the stop codon, G replaced by A.
Molecular consequence: 3 prime UTR variant.
Genome position (GRCh38, 1-based): chr12:114,354,931, C>T on the plus strand (G>A on the coding strand, the complement: TBX5 is on the minus strand). VCF-style: chr12-114354931-C-T. GRCh37 (hg19) VCF-style: chr12-114792736-C-T.
Other names: c.*601G>A (NM_000192.3, NM_080717.4).
Identifiers: ClinVar variation 307290 (VCV000307290.5), dbSNP rs116382074, ClinGen allele CA10640319.
Genomic context (GRCh38, chr12:114,354,931, plus strand): 5'-GGAGAAGGCAGGACAAAACCAAAGCAAATGGGGACATACAGAGGCTTTTCAGAAACATCA[C>T]ATGGCAGAGGTAGGTGCTTTTCTTAGTCAAGGGGAAACGTGAATTTAGGTTTCAGGGATG-3'

ClinVar aggregate classification (germline): Benign (1 of 4 stars; one submission).

Conditions:
Holt-Oram syndrome (HOS). Also called: Ventriculo-radial syndrome; Cardiac-limb syndrome; Heart-hand syndrome, type 1; TBX5-Related Holt-Oram Syndrome. Identifiers: Orphanet 392, MedGen C0265264, MONDO:0007732, OMIM 142900.

Allele frequency attached by ClinVar (database versions not stated): 1000 Genomes Project 0.01318; gnomAD 0.01448 and 0.01559; TOPMed 0.01613; gnomAD exomes 0.00049; 1000 Genomes Project 30x 0.01437.
gnomAD v4.1: 2,185 of 160,698 alleles (1.4%); highest among the groups gnomAD compares: African/African-American, 5%; 45 homozygotes.

Submission:

Illumina Laboratory Services, Illumina
Classification: Benign for Holt-Oram syndrome. Last evaluated: 2018-01-13. Review status: criteria provided, single submitter. Criteria: ICSL Variant Classification Criteria 13 December 2019. Collection method: clinical testing. Allele origin: germline.
Comment: This variant was observed in the ICSL laboratory as part of a predisposition screen in an ostensibly healthy population. It had not been previously curated by ICSL or reported in the Human Gene Mutation Database (HGMD: prior to June 1st, 2018), and was therefore a candidate for classification through an automated scoring system. Utilizing variant allele frequency, disease prevalence and penetrance estimates, and inheritance mode, an automated score was calculated to assess if this variant is too frequent to cause the disease. Based on the score and internal cut-off values, a variant classified as benign is not then subjected to further curation. The score for this variant resulted in a classification of benign for this disease.